The following is an entry in ClinVar:

ClinVar aggregate classification (germline): Benign/Likely benign. Review status: criteria provided, multiple submitters, no conflicts (2 of 4 stars). 5 submissions from 5 submitters: Benign (1); Likely benign (4). Last evaluated 2026-04-03.

Conditions:
Cardiovascular phenotype. Identifiers: MedGen CN230736.
CACNB2-related disorder. Also called: CACNB2-related condition.
Brugada syndrome 4 (BRGDA4). Identifiers: Orphanet 130, MedGen C2678477, MONDO:0012743, OMIM 611876.

Allele frequency attached by ClinVar (database versions not stated): gnomAD 0.00003; gnomAD exomes 0.00003 and 0.00005; ExAC 0.00005; TOPMed 0.00008.
gnomAD v4.1: 57 of 1,613,406 alleles (0.0035%); highest among the groups gnomAD compares: Admixed American, 0.017%; no homozygotes.

Submissions (5):

Women's Health and Genetics/Laboratory Corporation of America, LabCorp
Classification: Benign. Last evaluated: 2026-04-03. Review status: criteria provided, single submitter. Criteria: LabCorp Variant Classification Summary - May 2015. Collection method: clinical testing. Allele origin: germline.

Ambry Genetics
Classification: Likely benign for Cardiovascular phenotype. Last evaluated: 2025-06-17. Review status: criteria provided, single submitter. Criteria: Ambry Variant Classification Scheme 2023. Collection method: clinical testing. Allele origin: germline.

Labcorp Genetics (formerly Invitae), Labcorp
Classification: Likely benign for Brugada syndrome 4. Last evaluated: 2025-05-09. Review status: criteria provided, single submitter. Criteria: Invitae Variant Classification Sherloc (09022015). Collection method: clinical testing. Allele origin: germline.

PreventionGenetics, part of Exact Sciences
Classification: Likely benign for CACNB2-related condition. Last evaluated: 2025-03-12. Review status: criteria provided, single submitter. Criteria: ACMG Guidelines, 2015. Collection method: clinical testing. Allele origin: germline.
Comment: This variant is classified as likely benign based on ACMG/AMP sequence variant interpretation guidelines (Richards et al. 2015 PMID: 25741868, with internal and published modifications).

Blueprint Genetics
Classification: Likely benign. Last evaluated: 2023-05-23. Review status: criteria provided, single submitter. Criteria: ACMG Guidelines, 2015. Collection method: clinical testing. Allele origin: germline.

NM_201596.3(CACNB2):c.1833C>T (p.Asp611=)

Gene: CACNB2 (calcium voltage-gated channel auxiliary subunit beta 2; plus strand). Cytogenetic location: 10p12.31.
Variant type: single nucleotide variant.
Coding change: c.1833C>T on transcript NM_201596.3 (MANE Select); coding-DNA position 1833, C replaced by T.
Protein change: p.Asp611=; no amino-acid change (aspartic acid 611 retained).
Molecular consequence: synonymous variant.
Genome position (GRCh38, 1-based): chr10:18,539,574, C>T. VCF-style: chr10-18539574-C-T. GRCh37 (hg19) VCF-style: chr10-18828503-C-T.
Other names: c.1668C>T, p.Asp556= (NM_000724.4); c.1635C>T, p.Asp545= (NM_001167945.2); c.1554C>T, p.Asp518= (NM_001330060.2); c.1689C>T, p.Asp563= (NM_201570.3); c.1749C>T, p.Asp583= (NM_201571.4); c.1677C>T, p.Asp559= (NM_201572.4); c.1671C>T, p.Asp557= (NM_201590.3); c.1719C>T, p.Asp573= (NM_201593.3); and 1 more.
Identifiers: ClinVar variation 416841 (VCV000416841.17), dbSNP rs777607595, ClinGen allele CA5430181.